The following is an entry in ClinVar:

ClinVar aggregate classification (germline): Uncertain significance (1 of 4 stars; one submission).

Allele frequency attached by ClinVar (database versions not stated): gnomAD exomes below 0.00001; gnomAD 0.00001; TOPMed 0.00001.
gnomAD v4.1: 2 of 1,614,150 alleles (0.00012%); highest among the groups gnomAD compares: Non-Finnish European, 0.00017%; no homozygotes.

Submission:

Labcorp Genetics (formerly Invitae), Labcorp
Classification: Uncertain significance. Last evaluated: 2022-12-22. Review status: criteria provided, single submitter. Criteria: Invitae Variant Classification Sherloc (09022015). Collection method: clinical testing. Allele origin: germline.
Comment: Algorithms developed to predict the effect of missense changes on protein structure and function are either unavailable or do not agree on the potential impact of this missense change (SIFT: "Deleterious"; PolyPhen-2: "Benign"; Align-GVGD: "Class C0"). In summary, the available evidence is currently insufficient to determine the role of this variant in disease. Therefore, it has been classified as a Variant of Uncertain Significance. ClinVar contains an entry for this variant (Variation ID: 933425). This variant has not been reported in the literature in individuals affected with EFEMP1-related conditions. This variant is not present in population databases (gnomAD no frequency). This sequence change replaces valine, which is neutral and non-polar, with methionine, which is neutral and non-polar, at codon 112 of the EFEMP1 protein (p.Val112Met).

NM_001039348.3(EFEMP1):c.334G>A (p.Val112Met)

Gene: EFEMP1 (EGF-like fibulin extracellular matrix protein 1; minus strand). Cytogenetic location: 2p16.1.
Variant type: single nucleotide variant.
Coding change: c.334G>A on transcript NM_001039348.3 (MANE Select); coding-DNA position 334, G replaced by A.
Protein change: p.Val112Met; replaces valine 112 with methionine.
Molecular consequence: missense variant.
Genome position (GRCh38, 1-based): chr2:55,917,848, C>T on the plus strand (G>A on the coding strand, the complement: EFEMP1 is on the minus strand). VCF-style: chr2-55917848-C-T. GRCh37 (hg19) VCF-style: chr2-56144983-C-T.
Other names: c.334G>A, p.Val112Met (NM_001039349.3); short protein forms V112M.
Identifiers: ClinVar variation 933425 (VCV000933425.9), dbSNP rs1670763080, ClinGen allele CA347026680.
Genomic context (GRCh38, chr2:55,917,848, plus strand): 5'-TCTGCATTTCAGGGCCTGCGACTGCAGCAGCACTGGCCACAAAACCACCCCCGGGCAACA[C>T]TCCACTGGTTGCCATGCTGCTGGCAGCTACAACCCCGGTGGTTGCCCCTGAGGTTCCTTC-3'
Protein context (NP_001034437.1, residues 102-122): VAASSMATSG[Val112Met]LPGGGFVASA